The following is an entry in ClinVar:

ClinVar aggregate classification (germline): Pathogenic/Likely pathogenic. Review status: criteria provided, multiple submitters, no conflicts (2 of 4 stars). 6 submissions from 6 submitters: Pathogenic (2); Likely pathogenic (4). Last evaluated 2024-04-26.

Conditions:
PCDH15-related disorder. Also called: PCDH15-related condition; PCDH15-related disorders.
Autosomal recessive nonsyndromic hearing loss 23. Identifiers: Orphanet 90636, MedGen C1836027, MONDO:0012293, OMIM 609533.
Usher syndrome type 1D (USH1D). Also called: USHER SYNDROME, TYPE ID. Identifiers: Orphanet 231169, Orphanet 886, MedGen C1832845, MONDO:0010984, OMIM 601067.
Usher syndrome type 1F (USH1F). Also called: USHER SYNDROME, TYPE IF. Identifiers: Orphanet 231169, Orphanet 886, MedGen C1865885, MONDO:0011186, OMIM 602083.

Submissions (6):

Fulgent Genetics
Classification: Likely pathogenic for Usher syndrome type 1D; Usher syndrome type 1F; Autosomal recessive nonsyndromic hearing loss 23. Last evaluated: 2024-04-26. Review status: criteria provided, single submitter. Criteria: ACMG Guidelines, 2015. Collection method: clinical testing. Allele origin: germline.

Labcorp Genetics (formerly Invitae), Labcorp
Classification: Pathogenic. Last evaluated: 2024-01-28. Review status: criteria provided, single submitter. Criteria: Invitae Variant Classification Sherloc (09022015). Collection method: clinical testing. Allele origin: germline.
Comment: This variant results in the deletion of part of exon 8 (c.706-3_717del) of the PCDH15 gene. It is expected to disrupt RNA splicing. Variants that disrupt the donor or acceptor splice site typically lead to a loss of protein function (PMID: 16199547), and loss-of-function variants in PCDH15 are known to be pathogenic (PMID: 11398101, 11487575, 14570705). This variant is present in population databases (rs769348776, gnomAD 0.007%). This variant has been observed in individual(s) with Usher syndrome (PMID: 28559085; Invitae). In at least one individual the data is consistent with being in trans (on the opposite chromosome) from a pathogenic variant. This variant is also known as c.706-5_715delAACAGGACCGTGCCC. ClinVar contains an entry for this variant (Variation ID: 501870). For these reasons, this variant has been classified as Pathogenic.

Broad Center for Mendelian Genomics, Broad Institute of MIT and Harvard
Classification: Likely pathogenic for Usher syndrome type 1F. Last evaluated: 2023-01-24. Review status: criteria provided, single submitter. Criteria: ACMG Guidelines, 2015. Collection method: curation. Allele origin: germline. Inheritance: Autosomal recessive inheritance.
Comment: The c.706-3_717del variant in PCDH15 has been reported in 2 individuals with Usher syndrome type 1F (internal data, PMID: 28559085), and has been identified in 0.006% (1/16256) of African/African American chromosomes by the Genome Aggregation Database (gnomAD; dbSNP ID: rs769348776). Although this variant has been seen in the general population in a heterozygous state, its frequency is low enough to be consistent with a recessive carrier frequency. This variant has also been reported in ClinVar (Variation ID#: 501870) and has been interpreted as pathogenic or likely pathogenic by Invitae, Women's Health and Genetics/Laboratory Corporation of America (LabCorp), and Eurofins NTD LLC (GA). This variant is located in the 5' splice region. Computational tools predict a splicing impact through the use of an out of frame cryptic splice site, though this information is not predictive enough to determine pathogenicity. In summary, although additional studies are required to fully establish its clinical significance, this variant is likely pathogenic for autosomal recessive Usher syndrome type 1F. ACMG/AMP Criteria applied: PVS1_strong, PM2_supporting, PM3_supporting (Richards 2015).

Women's Health and Genetics/Laboratory Corporation of America, LabCorp
Classification: Likely pathogenic for Usher syndrome type 1F. Last evaluated: 2022-04-07. Review status: criteria provided, single submitter. Criteria: LabCorp Variant Classification Summary - May 2015. Collection method: clinical testing. Allele origin: germline.
Comment: Variant summary: PCDH15 c.706-3_717del15 is spanning a canonical splice-site and is predicted to affect mRNA splicing resulting in a significantly altered protein due to either exon skipping, shortening, or inclusion of intronic material. Several computational tools predict a significant impact on normal splicing: Four predict the variant abolishes a 3' acceptor site. However, these predictions have yet to be confirmed by functional studies. The variant allele was found at a frequency of 1.6e-05 in 251040 control chromosomes (gnomAD). The variant, c.706-3_717del15, has been reported in the literature in at least one individual affected with retinal disease, which is was indicated to be consistent with the Usher Syndrome Type 1F phenotype (Stone_2017). To our knowledge, no experimental evidence demonstrating an impact on protein function has been reported. Two clinical diagnostic laboratories have submitted clinical-significance assessments for this variant to ClinVar after 2014 without evidence for independent evaluation. All laboratories classified the variant as pathogenic/likely pathogenic. Based on the evidence outlined above, the variant was classified as likely pathogenic.

Blueprint Genetics
Classification: Likely pathogenic for PCDH15-related disorders. Last evaluated: 2020-11-06. Review status: criteria provided, single submitter. Criteria: ACMG Guidelines, 2015. Collection method: clinical testing. Allele origin: germline. Affected: yes. Observed: 4 variant alleles.

Eurofins Ntd Llc (ga)
Classification: Pathogenic. Last evaluated: 2017-05-17. Review status: criteria provided, single submitter. Criteria: EGL Classification Definitions 2015. Collection method: clinical testing. Allele origin: germline. Observed: 1 variant allele, 1 heterozygote.

Literature cited by the submitters: PubMed 16199547 (cited by Labcorp Genetics (formerly Invitae), Labcorp); PubMed 11398101 (cited by Labcorp Genetics (formerly Invitae), Labcorp); PubMed 11487575 (cited by Labcorp Genetics (formerly Invitae), Labcorp); PubMed 14570705 (cited by Labcorp Genetics (formerly Invitae), Labcorp); PubMed 28559085 (cited by Labcorp Genetics (formerly Invitae), Labcorp and Women's Health and Genetics/Laboratory Corporation of America, LabCorp).

NM_001384140.1(PCDH15):c.706-3_717del

Gene: PCDH15 (protocadherin related 15; minus strand). Cytogenetic location: 10q21.1.
Variant type: Deletion.
Coding change: c.706-3_717del on transcript NM_001384140.1 (MANE Select); 3 bases into the intron before coding-DNA position 706 through coding-DNA position 717, 15 bases deleted (CAGGACCGTGCCCAA).
Molecular consequence: splice acceptor variant.
Genome position (GRCh38, 1-based): chr10:54,317,430-54,317,444, TTGGGCACGGTCCTG deleted on the plus strand (CAGGACCGTGCCCAA on the coding strand, the reverse complement: PCDH15 is on the minus strand); deleting any 15 consecutive bases within chr10:54,317,430-54,317,446 gives the same sequence; the c. name uses the placement nearest the transcript's 3' end. VCF-style (leftmost placement, unchanged base first): chr10-54317429-TTTGGGCACGGTCCTG-T. GRCh37 (hg19) VCF-style: chr10-56077189-TTTGGGCACGGTCCTG-T.
Other names: c.706-3_717delCAGGACCGTGCCCAA (NM_033056.3); c.706-3_717del (NM_001354420.2, NM_001354429.2, NM_001142772.2 and 7 more transcripts); c.721-3_732del (NM_001142771.2, NM_001142769.3, NM_001142763.2); c.640-3_651del (NM_001354404.2, NM_001142773.2, NM_001142768.2); c.595-3_606del (NM_001142767.2).
Identifiers: ClinVar variation 501870 (VCV000501870.16), dbSNP rs769348776, ClinGen allele CA5506603.